The following is an entry in ClinVar:

NM_015202.5(KATNIP):c.2106G>A (p.Ser702=)

Gene: KATNIP (katanin interacting protein; plus strand). Cytogenetic location: 16p12.1.
Variant type: single nucleotide variant.
Coding change: c.2106G>A on transcript NM_015202.5 (MANE Select); coding-DNA position 2106, G replaced by A.
Protein change: p.Ser702=; no amino-acid change (serine 702 retained).
Molecular consequence: synonymous variant.
Genome position (GRCh38, 1-based): chr16:27,740,403, G>A. VCF-style: chr16-27740403-G-A. GRCh37 (hg19) VCF-style: chr16-27751724-G-A.
Identifiers: ClinVar variation 2889007 (VCV002889007.14), dbSNP rs768879716, ClinGen allele CA7977895.

ClinVar aggregate classification (germline): Likely benign. Review status: criteria provided, multiple submitters, no conflicts (2 of 4 stars). 3 submissions from 3 submitters: Likely benign (3). Last evaluated 2025-05-01.

Allele frequency attached by ClinVar (database versions not stated): ExAC 0.00001; gnomAD exomes 0.00001; TOPMed 0.00001; gnomAD 0.00002.
gnomAD v4.1: 14 of 1,613,924 alleles (0.00087%); highest among the groups gnomAD compares: African/African-American, 0.0053%; no homozygotes.

Submissions (3):

CeGaT Center for Human Genetics Tuebingen
Classification: Likely benign. Last evaluated: 2025-05-01. Review status: criteria provided, single submitter. Criteria: CeGaT Center For Human Genetics Tuebingen Variant Classification Criteria Version 2. Collection method: clinical testing. Allele origin: germline. Affected: yes. Observed: 1 variant allele.
Comment: KATNIP: BP4, BP7

Labcorp Genetics (formerly Invitae), Labcorp
Classification: Likely benign. Last evaluated: 2022-12-15. Review status: criteria provided, single submitter. Criteria: Invitae Variant Classification Sherloc (09022015). Collection method: clinical testing. Allele origin: germline.

Blueprint Genetics
Classification: Likely benign. Last evaluated: 2022-11-22. Review status: criteria provided, single submitter. Criteria: ACMG Guidelines, 2015. Collection method: clinical testing. Allele origin: germline.